The following is an entry in ClinVar:

ClinVar aggregate classification (germline): Likely benign. Review status: criteria provided, multiple submitters, no conflicts (2 of 4 stars). 4 submissions from 4 submitters: Likely benign (4). Last evaluated 2025-12-01.

Conditions:
Cardiac arrhythmia. Also called: Cardiac rhythm disease; Arrhythmia. Identifiers: MedGen C0003811, MONDO:0007263, HP:0011675.
Cardiovascular phenotype. Identifiers: MedGen CN230736.
Long QT syndrome (LQTS). Identifiers: MedGen C0023976, MeSH D008133, MONDO:0002442. Disease mechanism: loss of function. Inheritance: Various modes of inheritance.

Allele frequency attached by ClinVar (database versions not stated): gnomAD exomes below 0.00001 and 0.00001; ExAC 0.00001.
gnomAD v4.1: 10 of 1,613,378 alleles (0.00062%); highest among the groups gnomAD compares: South Asian, 0.0011%; no homozygotes.

Submissions (4):

Ambry Genetics
Classification: Likely benign for Cardiovascular phenotype. Last evaluated: 2025-12-01. Review status: criteria provided, single submitter. Criteria: Ambry Variant Classification Scheme 2023. Collection method: clinical testing. Allele origin: germline.

All of Us Research Program, National Institutes of Health
Classification: Likely benign for Long QT syndrome. Last evaluated: 2023-07-10. Review status: criteria provided, single submitter. Criteria: ACMG Guidelines, 2015. Collection method: clinical testing. Allele origin: germline. Inheritance: Autosomal dominant inheritance. Observed: 1 variant allele, 1 heterozygote.
Comment: This study involves interpretation of variants in research participants for the purpose of population health screening. Participant phenotype was not available at the time of variant classification. Additional details can be found in publication PMID: 35346344, PMCID: PMC8962531

Labcorp Genetics (formerly Invitae), Labcorp
Classification: Likely benign for Long QT syndrome. Last evaluated: 2021-09-25. Review status: criteria provided, single submitter. Criteria: Invitae Variant Classification Sherloc (09022015). Collection method: clinical testing. Allele origin: germline.

Color Diagnostics, LLC DBA Color Health
Classification: Likely benign for Arrhythmia. Last evaluated: 2020-01-23. Review status: criteria provided, single submitter. Criteria: ACMG Guidelines, 2015. Collection method: clinical testing. Allele origin: germline.

NM_000218.3(KCNQ1):c.936C>T (p.Thr312=)

Gene: KCNQ1 (potassium voltage-gated channel subfamily Q member 1; plus strand). Cytogenetic location: 11p15.5.
Variant type: single nucleotide variant.
Coding change: c.936C>T on transcript NM_000218.3 (MANE Select); coding-DNA position 936, C replaced by T.
Protein change: p.Thr312=; no amino-acid change (threonine 312 retained).
Molecular consequence: synonymous variant.
Genome position (GRCh38, 1-based): chr11:2,583,449, C>T. VCF-style: chr11-2583449-C-T. GRCh37 (hg19) VCF-style: chr11-2604679-C-T.
Other names: c.936C>T, p.Thr312= (NM_001406836.1); c.666C>T, p.Thr222= (NM_001406837.1); c.492C>T, p.Thr164= (NM_001406838.1); c.555C>T, p.Thr185= (NM_181798.2).
Identifiers: ClinVar variation 926185 (VCV000926185.14), dbSNP rs753939458, ClinGen allele CA041750.